The following is an entry in ClinVar:

ClinVar aggregate classification (germline): Uncertain significance. Review status: criteria provided, multiple submitters, no conflicts (2 of 4 stars). 3 submissions from 3 submitters: Uncertain significance (3). Last evaluated 2026-06-23.

Conditions:
Hereditary cancer-predisposing syndrome. Also called: Neoplastic Syndromes, Hereditary; Hereditary Cancer Syndrome; Tumor predisposition; Hereditary neoplastic syndrome. Identifiers: Orphanet 140162, MedGen C0027672, MeSH D009386, MONDO:0015356.
Familial cancer of breast. Also called: Hereditary breast cancer; BREAST CANCER, FAMILIAL; hereditary breast carcinoma. Identifiers: Orphanet 227535, MedGen C0346153, MONDO:0016419, OMIM 114480. Disease mechanism: loss of function.

Allele frequency attached by ClinVar (database versions not stated): gnomAD exomes below 0.00001.
gnomAD v4.1: 2 of 1,614,188 alleles (0.00012%); highest among the groups gnomAD compares: Non-Finnish European, 0.000085%; no homozygotes.

Submissions (3):

Ambry Genetics
Classification: Uncertain significance for Hereditary cancer-predisposing syndrome. Last evaluated: 2026-06-23. Review status: criteria provided, single submitter. Criteria: Ambry Variant Classification Scheme 2023. Collection method: clinical testing. Allele origin: germline.

Center for Genomic Medicine, Rigshospitalet, Copenhagen University Hospital
Classification: Uncertain significance. Last evaluated: 2025-03-04. Review status: criteria provided, single submitter. Criteria: ACMG Guidelines, 2015. Collection method: clinical testing. Allele origin: germline.

Labcorp Genetics (formerly Invitae), Labcorp
Classification: Uncertain significance for Familial cancer of breast. Last evaluated: 2024-05-27. Review status: criteria provided, single submitter. Criteria: Invitae Variant Classification Sherloc (09022015). Collection method: clinical testing. Allele origin: germline.
Comment: This sequence change replaces threonine, which is neutral and polar, with alanine, which is neutral and non-polar, at codon 193 of the PALB2 protein (p.Thr193Ala). This variant is not present in population databases (gnomAD no frequency). This variant has not been reported in the literature in individuals affected with PALB2-related conditions. ClinVar contains an entry for this variant (Variation ID: 968926). Algorithms developed to predict the effect of missense changes on protein structure and function output the following: SIFT: "Not Available"; PolyPhen-2: "Benign"; Align-GVGD: "Not Available". The alanine amino acid residue is found in multiple mammalian species, which suggests that this missense change does not adversely affect protein function. In summary, the available evidence is currently insufficient to determine the role of this variant in disease. Therefore, it has been classified as a Variant of Uncertain Significance.

NM_024675.4(PALB2):c.577A>G (p.Thr193Ala)

Gene: PALB2 (partner and localizer of BRCA2; minus strand). Cytogenetic location: 16p12.2.
Variant type: single nucleotide variant.
Coding change: c.577A>G on transcript NM_024675.4 (MANE Select); coding-DNA position 577, A replaced by G.
Protein change: p.Thr193Ala; replaces threonine 193 with alanine.
Molecular consequence: missense variant.
Genome position (GRCh38, 1-based): chr16:23,635,969, T>C on the plus strand (A>G on the coding strand, the complement: PALB2 is on the minus strand). VCF-style: chr16-23635969-T-C. GRCh37 (hg19) VCF-style: chr16-23647290-T-C.
Other names: short protein forms T193A.
Identifiers: ClinVar variation 968926 (VCV000968926.17), dbSNP rs1967037000, ClinGen allele CA395136777.
Genomic context (GRCh38, chr16:23,635,969, plus strand): 5'-CTGGTTCTGGAGAATCTGGAAGTTCAGATTTAAGACTTAAAAGGTGAGTTCTTATTTCAG[T>C]TACTGGTGATCTAGCAGGATTTTTGCTACTGATTTCTTCCTGTTCCTTTAGTCTTTTCCC-3'
Protein context (NP_078951.2, residues 183-203): SSKNPARSPV[Thr193Ala]EIRTHLLSLK